The following is an entry in ClinVar:

ClinVar aggregate classification (germline): Uncertain significance (1 of 4 stars; one submission).

Conditions:
Primary ciliary dyskinesia 32. Also called: CILIARY DYSKINESIA, PRIMARY, 32, WITHOUT SITUS INVERSUS. Identifiers: Orphanet 244, MedGen C4225311, MONDO:0014657, OMIM 616481.

Allele frequency attached by ClinVar (database versions not stated): gnomAD exomes below 0.00001 and 0.00002; ExAC 0.00002; TOPMed 0.00002.
gnomAD v4.1: 6 of 1,596,738 alleles (0.00038%); highest among the groups gnomAD compares: Admixed American, 0.0034%; no homozygotes.

Submission:

Labcorp Genetics (formerly Invitae), Labcorp
Classification: Uncertain significance for Primary ciliary dyskinesia 32. Last evaluated: 2021-08-30. Review status: criteria provided, single submitter. Criteria: Invitae Variant Classification Sherloc (09022015). Collection method: clinical testing. Allele origin: germline.
Comment: This sequence change replaces proline with alanine at codon 5 of the RSPH3 protein (p.Pro5Ala). The proline residue is weakly conserved and there is a small physicochemical difference between proline and alanine. This variant is present in population databases (rs747323201, ExAC 0.003%). This variant has not been reported in the literature in individuals affected with RSPH3-related conditions. Algorithms developed to predict the effect of missense changes on protein structure and function output the following: SIFT: "Tolerated"; PolyPhen-2: "Benign"; Align-GVGD: "Class C0". The alanine amino acid residue is found in multiple mammalian species, which suggests that this missense change does not adversely affect protein function. In summary, the available evidence is currently insufficient to determine the role of this variant in disease. Therefore, it has been classified as a Variant of Uncertain Significance.

NM_031924.8(RSPH3):c.-414C>G

Genes: RSPH3 (radial spoke head 3; minus strand), TAGAP-AS1 (TAGAP antisense RNA 1; plus strand). Cytogenetic location: 6q25.3.
Variant type: single nucleotide variant.
Coding change: c.-414C>G on transcript NM_031924.8 (MANE Select); 414 bases upstream of the start codon, C replaced by G.
Molecular consequence: 5 prime UTR variant. On other transcripts: missense variant (1), non-coding transcript variant (1).
Genome position (GRCh38, 1-based): chr6:158,999,964, G>C on the plus strand (C>G on the coding strand, the complement: RSPH3 is on the minus strand). VCF-style: chr6-158999964-G-C. GRCh37 (hg19) VCF-style: chr6-159420996-G-C.
Other names: c.13C>G, p.Pro5Ala (NM_001346418.1); short protein forms P5A.
Identifiers: ClinVar variation 651414 (VCV000651414.6), dbSNP rs747323201, ClinGen allele CA4076129.